The following is an entry in ClinVar:

ClinVar aggregate classification (germline): Pathogenic. Review status: criteria provided, multiple submitters, no conflicts (2 of 4 stars). 2 submissions from 2 submitters: Pathogenic (2). Last evaluated 2026-06-13.

Conditions:
LAMA2-related muscular dystrophy (LAMA2-RD). Also called: Laminin alpha 2-related dystrophy. Identifiers: MedGen C5679788, MONDO:0100228.

Submissions (2):

Myriad Genetics, Inc.
Classification: Pathogenic for LAMA2-related muscular dystrophy. Last evaluated: 2026-06-13. Review status: criteria provided, single submitter. Criteria: Myriad Autosomal Dominant, Autosomal Recessive and X-Linked Classification Criteria (2023). Collection method: clinical testing. Allele origin: unknown.
Comment: NM_000426.3(LAMA2):c.3892C>T(Q1298*) is expected to be pathogenic in the context of muscular dystrophy, LAMA2-related. This variant is predicted to lead to an abnormal or absent protein product due to the creation of a premature termination codon in LAMA2, a gene where loss-of-function variants are known to be pathogenic. Please note: this variant was assessed in the context of healthy population screening.

Labcorp Genetics (formerly Invitae), Labcorp
Classification: Pathogenic for LAMA2-related muscular dystrophy. Last evaluated: 2024-02-01. Review status: criteria provided, single submitter. Criteria: Invitae Variant Classification Sherloc (09022015). Collection method: clinical testing. Allele origin: germline.
Comment: This sequence change creates a premature translational stop signal (p.Gln1298*) in the LAMA2 gene. It is expected to result in an absent or disrupted protein product. Loss-of-function variants in LAMA2 are known to be pathogenic (PMID: 18700894, 32904964). This variant is not present in population databases (gnomAD no frequency). This variant has not been reported in the literature in individuals affected with LAMA2-related conditions. For these reasons, this variant has been classified as Pathogenic.

Literature cited by the submitters: PubMed 18700894 (cited by Labcorp Genetics (formerly Invitae), Labcorp); PubMed 32904964 (cited by Labcorp Genetics (formerly Invitae), Labcorp).

NM_000426.4(LAMA2):c.3892C>T (p.Gln1298Ter)

Gene: LAMA2 (laminin subunit alpha 2; plus strand). Cytogenetic location: 6q22.33.
Variant type: single nucleotide variant.
Coding change: c.3892C>T on transcript NM_000426.4 (MANE Select); coding-DNA position 3892, C replaced by T.
Protein change: p.Gln1298Ter; replaces glutamine 1298 with a stop codon.
Molecular consequence: nonsense.
Genome position (GRCh38, 1-based): chr6:129,315,918, C>T. VCF-style: chr6-129315918-C-T. GRCh37 (hg19) VCF-style: chr6-129637063-C-T.
Other names: c.3892C>T, p.Gln1298Ter (NM_001079823.2); short protein forms Q1298*.
Identifiers: ClinVar variation 3638088 (VCV003638088.3).